The following is an entry in ClinVar:

NM_007294.4(BRCA1):c.2745dup (p.Asn916Ter)

Gene: BRCA1 (BRCA1 DNA repair associated; minus strand). Cytogenetic location: 17q21.31.
Variant type: Duplication.
Coding change: c.2745dup on transcript NM_007294.4 (MANE Select); coding-DNA position 2745, one base duplicated (T; older notation c.2745dupT).
Protein change: p.Asn916Ter; replaces asparagine 916 with a stop codon.
Molecular consequence: nonsense. On other transcripts: frameshift variant (1), intron variant (137).
Genome position (GRCh38, 1-based): chr17:43,092,786, A duplicated on the plus strand (T on the coding strand, the reverse complement: BRCA1 is on the minus strand). VCF-style (leftmost placement, unchanged base first): chr17-43092785-T-TA. GRCh37 (hg19) VCF-style: chr17-41244802-T-TA.
Other names: c.2745dupT (NM_007294.3); c.2532dup, p.Asn845Ter (NM_001407571.1, NM_001407853.1, NM_001407894.1 and 9 more transcripts); c.2745dup, p.Asn916Ter (NM_001407581.1, NM_001407582.1, NM_001407583.1 and 30 more transcripts); c.2742dup, p.Asn915Ter (NM_001407587.1, NM_001407590.1, NM_001407591.1 and 22 more transcripts); c.2736dup, p.Asn913Ter (NM_001407646.1, NM_001407647.1); c.2622dup, p.Asn875Ter (NM_001407648.1, NM_001407664.1, NM_001407665.1 and 19 more transcripts); c.2619dup, p.Asn874Ter (NM_001407649.1, NM_001407670.1, NM_001407671.1 and 11 more transcripts); c.2667dup, p.Asn890Ter (NM_001407653.1, NM_001407654.1, NM_001407655.1 and 4 more transcripts); and 42 more; short protein forms N869*, N916*, N804*, N805*, N875*, N889*, N846*, N868*.
Identifiers: ClinVar variation 54669 (VCV000054669.3), dbSNP rs397509008, ClinGen allele CA327837.
Genomic context (GRCh38, chr17:43,092,785, plus strand): 5'-CTTTCTGACCAACCACAGGAAAGCCTGCAGTGATATTAACTGTCTGTACAGGCTTGATAT[T>TA]AGACTCATTCTTTCCTTGATTTTCTTCCTTTTGTTCACATTCAAAAGTGACTTTTGGACT-3'

ClinVar aggregate classification (germline): Pathogenic. Review status: reviewed by expert panel (3 of 4 stars). 2 submissions from 2 submitters: Pathogenic (1). 1 of the submissions does not count toward it. Last evaluated 2017-12-15.

Conditions:
Breast-ovarian cancer, familial, susceptibility to, 1 (BROVCA1). Also called: OVARIAN CANCER, SUSCEPTIBILITY TO; BRCA1 Hereditary Breast and Ovarian Cancer. Identifiers: Orphanet 145, MedGen C2676676, MONDO:0011450, OMIM 604370. Disease mechanism: loss of function.
Familial cancer of breast. Also called: Hereditary breast cancer; hereditary breast carcinoma; BREAST CANCER, FAMILIAL. Identifiers: Orphanet 227535, MedGen C0346153, MONDO:0016419, OMIM 114480. Disease mechanism: loss of function.

Submissions (2):

Evidence-based Network for the Interpretation of Germline Mutant Alleles (ENIGMA)
Classification: Pathogenic for Breast-ovarian cancer, familial, susceptibility to, 1. Last evaluated: 2017-12-15. Review status: reviewed by expert panel. Criteria: ENIGMA BRCA1/2 Classification Criteria (2017-06-29). Collection method: curation. Allele origin: germline. Study: ENIGMA.
Comment: Variant allele predicted to encode a truncated non-functional protein.

ClinVar Staff, National Center for Biotechnology Information (NCBI)
No classification provided. Condition: Familial cancer of breast. Review status: no classification provided. Collection method: literature only. Allele origin: germline. Affected: yes. Not counted in ClinVar's aggregate classification.

Literature cited by the submitters: PubMed 18645608 (cited by ClinVar Staff, National Center for Biotechnology Information (NCBI)).